The following is an entry in ClinVar:

ClinVar aggregate classification (germline): Conflicting classifications of pathogenicity. Review status: criteria provided, conflicting classifications (1 of 4 stars). 3 submissions from 3 submitters: Uncertain significance (2); Likely benign (1). Last evaluated 2023-11-01.

Allele frequency attached by ClinVar (database versions not stated): 1000 Genomes Project 30x 0.00234; 1000 Genomes Project 0.00240; TOPMed 0.00488; gnomAD exomes 0.00530 and 0.00871; gnomAD 0.00533 and 0.00538; ExAC 0.00544; ESP Exome Variant Server 0.00569.
gnomAD v4.1: 13,427 of 1,614,146 alleles (0.83%); highest among the groups gnomAD compares: Non-Finnish European, 1%; 74 homozygotes.

Submissions (3):

CeGaT Center for Human Genetics Tuebingen
Classification: Likely benign. Last evaluated: 2023-11-01. Review status: criteria provided, single submitter. Criteria: CeGaT Center For Human Genetics Tuebingen Variant Classification Criteria Version 2. Collection method: clinical testing. Allele origin: germline. Affected: yes. Observed: 2 variant alleles.
Comment: CCDC170: BP4, BS2

ARUP Laboratories, Molecular Genetics and Genomics, ARUP Laboratories
Classification: Uncertain significance. Last evaluated: 2020-05-05. Review status: criteria provided, single submitter. Criteria: ARUP Molecular Germline Variant Investigation Process. Collection method: clinical testing. Allele origin: germline.

Breakthrough Genomics
Classification: Uncertain significance. Review status: criteria provided, single submitter. Criteria: ACMG Guidelines, 2015. Collection method: not provided. Allele origin: germline. Inheritance: Unknown mechanism. Affected: yes.

NM_025059.4(CCDC170):c.1033G>A (p.Glu345Lys)

Gene: CCDC170 (coiled-coil domain containing 170; plus strand). Cytogenetic location: 6q25.1.
Variant type: single nucleotide variant.
Coding change: c.1033G>A on transcript NM_025059.4 (MANE Select); coding-DNA position 1033, G replaced by A.
Protein change: p.Glu345Lys; replaces glutamic acid 345 with lysine.
Molecular consequence: missense variant.
Genome position (GRCh38, 1-based): chr6:151,573,432, G>A. VCF-style: chr6-151573432-G-A. GRCh37 (hg19) VCF-style: chr6-151894567-G-A.
Other names: short protein forms E345K.
Identifiers: ClinVar variation 993917 (VCV000993917.32), dbSNP rs55868409, ClinGen allele CA4051757.
Genomic context (GRCh38, chr6:151,573,432, plus strand): 5'-TCATTTAGGGAGAAAATCGCAGCCCTCCTTAGGGGCAGATTGAGCATGACTGGGTCCACT[G>A]AGGACACCATTTTGGAGAAGATTCGAGAAATGGACAGCCGGGAAGAAAGCAGGGACCGGG-3'
Protein context (NP_079335.2, residues 335-355): RGRLSMTGST[Glu345Lys]DTILEKIREM